The following is an entry in ClinVar:

NM_024675.4(PALB2):c.2163A>C (p.Thr721=)

Gene: PALB2 (partner and localizer of BRCA2; minus strand). Cytogenetic location: 16p12.2.
Variant type: single nucleotide variant.
Coding change: c.2163A>C on transcript NM_024675.4 (MANE Select); coding-DNA position 2163, A replaced by C.
Protein change: p.Thr721=; no amino-acid change (threonine 721 retained).
Molecular consequence: synonymous variant.
Genome position (GRCh38, 1-based): chr16:23,629,991, T>G on the plus strand (A>C on the coding strand, the complement: PALB2 is on the minus strand). VCF-style: chr16-23629991-T-G. GRCh37 (hg19) VCF-style: chr16-23641312-T-G.
Other names: p.T721T:ACA>ACC.
Identifiers: ClinVar variation 138574 (VCV000138574.23), dbSNP rs587781105, ClinGen allele CA292642.
Genomic context (GRCh38, chr16:23,629,991, plus strand): 5'-GCCTTGAGGGCCAAAGGCTGGAGTAGTACCTAAGATGGGGAAAGCAGGTGAACACATGTC[T>G]GTGGTAGGCCTGTCATTATCATCAGGCGCAACCGTATTTAAAGGAGTATAAAGTAATATG-3'
Protein context (NP_078951.2, residues 711-731): VAPDDNDRPT[Thr721=]DMCSPAFPIL

ClinVar aggregate classification (germline): Benign/Likely benign. Review status: criteria provided, multiple submitters, no conflicts (2 of 4 stars). 7 submissions from 7 submitters: Benign (2); Likely benign (3). 2 of the submissions do not count toward it. Last evaluated 2025-01-15.

Conditions:
Hereditary cancer-predisposing syndrome. Also called: Neoplastic Syndromes, Hereditary; Hereditary Cancer Syndrome; Tumor predisposition; Hereditary neoplastic syndrome. Identifiers: Orphanet 140162, MedGen C0027672, MeSH D009386, MONDO:0015356.
Familial cancer of breast. Also called: Hereditary breast cancer; BREAST CANCER, FAMILIAL; hereditary breast carcinoma. Identifiers: Orphanet 227535, MedGen C0346153, MONDO:0016419, OMIM 114480. Disease mechanism: loss of function.

Allele frequency attached by ClinVar (database versions not stated): gnomAD exomes below 0.00001; TOPMed below 0.00001; ExAC 0.00001; gnomAD 0.00001.
gnomAD v4.1: 5 of 1,614,054 alleles (0.00031%); highest among the groups gnomAD compares: Non-Finnish European, 0.00042%; no homozygotes.

Submissions (7):

Myriad Genetics, Inc.
Classification: Benign for Familial cancer of breast. Last evaluated: 2025-01-15. Review status: criteria provided, single submitter. Criteria: Myriad Autosomal Dominant, Autosomal Recessive and X-Linked Classification Criteria (2023). Collection method: clinical testing. Allele origin: unknown.
Comment: This variant is considered benign. This variant is a silent/synonymous amino acid change and it is not expected to impact splicing.

Labcorp Genetics (formerly Invitae), Labcorp
Classification: Likely benign for Familial cancer of breast. Last evaluated: 2024-07-12. Review status: criteria provided, single submitter. Criteria: Invitae Variant Classification Sherloc (09022015). Collection method: clinical testing. Allele origin: germline.

Color Diagnostics, LLC DBA Color Health
Classification: Likely benign for Hereditary cancer-predisposing syndrome. Last evaluated: 2018-05-11. Review status: criteria provided, single submitter. Criteria: ACMG Guidelines, 2015. Collection method: clinical testing. Allele origin: germline.

Ambry Genetics
Classification: Likely benign for Hereditary cancer-predisposing syndrome. Last evaluated: 2015-08-03. Review status: criteria provided, single submitter. Criteria: Ambry Variant Classification Scheme 2023. Collection method: clinical testing. Allele origin: germline.

GeneDx
Classification: Benign. Last evaluated: 2013-12-24. Review status: criteria provided, single submitter. Criteria: GeneDx Variant Classification (06012015). Collection method: clinical testing. Allele origin: germline. Affected: yes.
Comment: This variant is considered likely benign or benign based on one or more of the following criteria: it is a conservative change, it occurs at a poorly conserved position in the protein, it is predicted to be benign by multiple in silico algorithms, and/or has population frequency not consistent with disease.

Genome Diagnostics Laboratory, Amsterdam University Medical Center
Classification: Likely benign. Review status: no assertion criteria provided. Collection method: clinical testing. Allele origin: germline. Affected: yes. Study: VKGL Data-share Consensus. Not counted in ClinVar's aggregate classification.

Joint Genome Diagnostic Labs from Nijmegen and Maastricht, Radboudumc and MUMC+
Classification: Likely benign. Review status: no assertion criteria provided. Collection method: clinical testing. Allele origin: germline. Affected: yes. Study: VKGL Data-share Consensus. Not counted in ClinVar's aggregate classification.